The following is an entry in ClinVar:

ClinVar aggregate classification (germline): Uncertain significance (1 of 4 stars; one submission).

Submission:

Labcorp Genetics (formerly Invitae), Labcorp
Classification: Uncertain significance. Last evaluated: 2021-01-19. Review status: criteria provided, single submitter. Criteria: Invitae Variant Classification Sherloc (09022015). Collection method: clinical testing. Allele origin: germline.
Comment: In summary, the available evidence is currently insufficient to determine the role of this variant in disease. Therefore, it has been classified as a Variant of Uncertain Significance. This sequence change replaces aspartic acid with glycine at codon 146 of the CTNNA1 protein (p.Asp146Gly). The aspartic acid residue is highly conserved and there is a moderate physicochemical difference between aspartic acid and glycine. This variant is not present in population databases (ExAC no frequency). This variant has not been reported in the literature in individuals with CTNNA1-related conditions. Algorithms developed to predict the effect of missense changes on protein structure and function are either unavailable or do not agree on the potential impact of this missense change (SIFT: "Deleterious"; PolyPhen-2: "Probably Damaging"; Align-GVGD: "Class C0"). Algorithms developed to predict the effect of sequence changes on RNA splicing suggest that this variant may create or strengthen a splice site, but this prediction has not been confirmed by published transcriptional studies.

NM_001903.5(CTNNA1):c.437A>G (p.Asp146Gly)

Gene: CTNNA1 (catenin alpha 1; plus strand). Cytogenetic location: 5q31.2.
Variant type: single nucleotide variant.
Coding change: c.437A>G on transcript NM_001903.5 (MANE Select); coding-DNA position 437, A replaced by G.
Protein change: p.Asp146Gly; replaces aspartic acid 146 with glycine.
Molecular consequence: missense variant.
Genome position (GRCh38, 1-based): chr5:138,810,173, A>G. VCF-style: chr5-138810173-A-G. GRCh37 (hg19) VCF-style: chr5-138145862-A-G.
Other names: c.437A>G, p.Asp146Gly (NM_001290307.3, NM_001323982.2, NM_001323983.1 and 3 more transcripts); c.128A>G, p.Asp43Gly (NM_001290309.3); c.68A>G, p.Asp23Gly (NM_001290310.3); short protein forms D43G, D146G, D23G.
Identifiers: ClinVar variation 1366116 (VCV001366116.8), dbSNP rs2149727525, ClinGen allele CA361123504.
Genomic context (GRCh38, chr5:138,810,173, plus strand): 5'-GGGCAGCTCGAGCTTTGCTCTCTGCTGTTACCCGGTTGCTGATTTTGGCTGACATGGCAG[A>G]TGTCTACAAATTACTTGTTCAGCTGAAAGTTGTAAGTATACAGGCCTATGTCTGTAATTT-3'
Protein context (NP_001894.2, residues 136-156): TRLLILADMA[Asp146Gly]VYKLLVQLKV